The following is an entry in ClinVar:

NM_001032382.2(PQBP1):c.28C>T (p.Arg10Cys)

Genes: PQBP1 (polyglutamine binding protein 1; plus strand), LOC130068256 (ATAC-STARR-seq lymphoblastoid active region 29617; plus strand). Cytogenetic location: Xp11.23.
Variant type: single nucleotide variant.
Coding change: c.28C>T on transcript NM_001032382.2 (MANE Select); coding-DNA position 28, C replaced by T.
Protein change: p.Arg10Cys; replaces arginine 10 with cysteine.
Molecular consequence: missense variant.
Genome position (GRCh38, 1-based): chrX:48,898,537, C>T. VCF-style: chrX-48898537-C-T. GRCh37 (hg19) VCF-style: chrX-48755820-C-T.
Other names: c.28C>T, p.Arg10Cys (NM_001032381.2, NM_001032383.2, NM_001032384.1 and 5 more transcripts); short protein forms R10C.
Identifiers: ClinVar variation 1314819 (VCV001314819.4), dbSNP rs782310806, ClinGen allele CA10405840.

ClinVar aggregate classification (germline): Uncertain significance (1 of 4 stars; one submission).

Allele frequency attached by ClinVar (database versions not stated): gnomAD exomes below 0.00001 and 0.00001; ExAC 0.00001.
gnomAD v4.1: 2 of 1,210,955 alleles (0.00017%); highest among the groups gnomAD compares: African/African-American, 0.0017%; no homozygotes.

Submission:

GeneDx
Classification: Uncertain significance. Last evaluated: 2023-06-29. Review status: criteria provided, single submitter. Criteria: GeneDx Variant Classification Process June 2021. Collection method: clinical testing. Allele origin: germline. Affected: yes.
Comment: In silico analysis supports that this missense variant has a deleterious effect on protein structure/function; Has not been previously published as pathogenic or benign to our knowledge